The following is an entry in ClinVar:

NM_000263.4(NAGLU):c.2042C>T (p.Ala681Val)

Gene: NAGLU (N-acetyl-alpha-glucosaminidase; plus strand). Cytogenetic location: 17q21.2.
Variant type: single nucleotide variant.
Coding change: c.2042C>T on transcript NM_000263.4 (MANE Select); coding-DNA position 2042, C replaced by T.
Protein change: p.Ala681Val; replaces alanine 681 with valine.
Molecular consequence: missense variant.
Genome position (GRCh38, 1-based): chr17:42,544,048, C>T. VCF-style: chr17-42544048-C-T. GRCh37 (hg19) VCF-style: chr17-40696066-C-T.
Other names: short protein forms A681V.
Identifiers: ClinVar variation 659243 (VCV000659243.8), dbSNP rs540744217, ClinGen allele CA8577132.

ClinVar aggregate classification (germline): Uncertain significance (1 of 4 stars; one submission).

Conditions:
Mucopolysaccharidosis, MPS-III-B (MPS3B). Also called: MPS III B; MUCOPOLYSACCHARIDOSIS, TYPE IIIB; N-ACETYL-ALPHA-D-GLUCOSAMINIDASE DEFICIENCY; NAGLU DEFICIENCY; SANFILIPPO SYNDROME B; Mucopolysaccharidosis type IIIB (Sanfilippo B). Identifiers: Orphanet 79270, MedGen C0086648, MONDO:0009656, OMIM 252920.
Charcot-Marie-Tooth disease axonal type 2V. Also called: CHARCOT-MARIE-TOOTH NEUROPATHY, TYPE 2V; CHARCOT-MARIE-TOOTH DISEASE, AXONAL, AUTOSOMAL DOMINANT, TYPE 2V. Identifiers: Orphanet 447964, MedGen C5569050, MONDO:0014665, OMIM 616491.

Allele frequency attached by ClinVar (database versions not stated): TOPMed below 0.00001; ExAC 0.00001; gnomAD exomes 0.00001; gnomAD 0.00001.
gnomAD v4.1: 13 of 1,612,966 alleles (0.00081%); highest among the groups gnomAD compares: Middle Eastern, 0.016%; no homozygotes.

Submission:

Labcorp Genetics (formerly Invitae), Labcorp
Classification: Uncertain significance for Charcot-Marie-Tooth disease axonal type 2V; Mucopolysaccharidosis, MPS-III-B. Last evaluated: 2022-03-20. Review status: criteria provided, single submitter. Criteria: Invitae Variant Classification Sherloc (09022015). Collection method: clinical testing. Allele origin: germline.
Comment: This sequence change replaces alanine, which is neutral and non-polar, with valine, which is neutral and non-polar, at codon 681 of the NAGLU protein (p.Ala681Val). This variant is present in population databases (rs540744217, gnomAD 0.004%). This variant has not been reported in the literature in individuals affected with NAGLU-related conditions. ClinVar contains an entry for this variant (Variation ID: 659243). Advanced modeling of protein sequence and biophysical properties (such as structural, functional, and spatial information, amino acid conservation, physicochemical variation, residue mobility, and thermodynamic stability) performed at Invitae indicates that this missense variant is not expected to disrupt NAGLU protein function. Algorithms developed to predict the effect of sequence changes on RNA splicing suggest that this variant may create or strengthen a splice site. In summary, the available evidence is currently insufficient to determine the role of this variant in disease. Therefore, it has been classified as a Variant of Uncertain Significance.